The following is an entry in ClinVar:

ClinVar aggregate classification (germline): Likely benign. Review status: criteria provided, single submitter (1 of 4 stars). 2 submissions from 2 submitters: Likely benign (1). 1 of the submissions does not count toward it. Last evaluated 2024-10-03.

Conditions:
LNPK-related disorder. Also called: LNPK-related condition.

Allele frequency attached by ClinVar (database versions not stated): 1000 Genomes Project 30x 0.00016; ExAC 0.00075.
gnomAD v4.1: 70 of 445,240 alleles (0.016%); highest among the groups gnomAD compares: Middle Eastern, 0.71%; no homozygotes.

Submissions (2):

Blueprint Genetics
Classification: Likely benign. Last evaluated: 2024-10-03. Review status: criteria provided, single submitter. Criteria: ACMG Guidelines, 2015. Collection method: clinical testing. Allele origin: germline.

PreventionGenetics, part of Exact Sciences
Classification: Likely benign for LNPK-related condition. Last evaluated: 2019-08-29. Review status: no assertion criteria provided. Collection method: clinical testing. Allele origin: germline. Not counted in ClinVar's aggregate classification.
Comment: This variant is classified as likely benign based on ACMG/AMP sequence variant interpretation guidelines (Richards et al. 2015 PMID: 25741868, with internal and published modifications).

NM_030650.3(LNPK):c.-89G>A

Gene: LNPK (lunapark, ER junction formation factor; minus strand). Cytogenetic location: 2q31.1.
Variant type: single nucleotide variant.
Coding change: c.-89G>A on transcript NM_030650.3 (MANE Select); 89 bases upstream of the start codon, G replaced by A.
Molecular consequence: 5 prime UTR variant. On other transcripts: synonymous variant (2).
Genome position (GRCh38, 1-based): chr2:176,002,186, C>T on the plus strand (G>A on the coding strand, the complement: LNPK is on the minus strand). VCF-style: chr2-176002186-C-T. GRCh37 (hg19) VCF-style: chr2-176866914-C-T.
Other names: c.105G>A, p.Pro35= (NM_001305008.1, NM_001305010.1); c.-89G>A (NM_001305009.1); c.-228G>A (NM_001305011.2).
Identifiers: ClinVar variation 3053717 (VCV003053717.3), dbSNP rs745956591, ClinGen allele CA1976153.